The following is an entry in ClinVar:

NM_153704.6(TMEM67):c.2796T>C (p.Tyr932=)

Gene: TMEM67 (transmembrane protein 67; plus strand). Cytogenetic location: 8q22.1.
Variant type: single nucleotide variant.
Coding change: c.2796T>C on transcript NM_153704.6 (MANE Select); coding-DNA position 2796, T replaced by C.
Protein change: p.Tyr932=; no amino-acid change (tyrosine 932 retained).
Molecular consequence: synonymous variant. On other transcripts: non-coding transcript variant (1).
Genome position (GRCh38, 1-based): chr8:93,815,336, T>C. VCF-style: chr8-93815336-T-C. GRCh37 (hg19) VCF-style: chr8-94827564-T-C.
Other names: c.2553T>C, p.Tyr851= (NM_001142301.1).
Identifiers: ClinVar variation 2928733 (VCV002928733.4), dbSNP rs2536967528, ClinGen allele CA461868605.

ClinVar aggregate classification (germline): Likely benign. Review status: criteria provided, multiple submitters, no conflicts (2 of 4 stars). 2 submissions from 2 submitters: Likely benign (2). Last evaluated 2026-09-25.

Conditions:
TMEM67-related disorder. Also called: TMEM67-related condition; TMEM67-related disorders. Identifiers: MedGen CN239423.
Meckel-Gruber syndrome. Also called: Dysencephalia splachnocystica; DYSENCEPHALIA SPLANCHNOCYSTICA; GRUBER SYNDROME. Identifiers: Orphanet 564, MedGen C0265215, MONDO:0018921.
Joubert syndrome. Also called: Familial aplasia of the vermis; JOUBERT-BOLTSHAUSER SYNDROME. Identifiers: Orphanet 475, MedGen C5979921, MONDO:0018772.

Allele frequency attached by ClinVar (database versions not stated): gnomAD exomes 0.00001.
gnomAD v4.1: 19 of 1,604,458 alleles (0.0012%); highest among the groups gnomAD compares: Non-Finnish European, 0.0016%; no homozygotes.

Submissions (2):

PreventionGenetics, part of Exact Sciences
Classification: Likely benign for TMEM67-related condition. Last evaluated: 2026-09-25. Review status: criteria provided, single submitter. Criteria: ACMG Guidelines, 2015. Collection method: clinical testing. Allele origin: germline.
Comment: This variant is classified as likely benign based on ACMG/AMP sequence variant interpretation guidelines (Richards et al. 2015 PMID: 25741868, with internal and published modifications).

Labcorp Genetics (formerly Invitae), Labcorp
Classification: Likely benign for Joubert syndrome; Meckel-Gruber syndrome. Last evaluated: 2023-01-24. Review status: criteria provided, single submitter. Criteria: Invitae Variant Classification Sherloc (09022015). Collection method: clinical testing. Allele origin: germline.